The following is an entry in ClinVar:

NM_133259.4(LRPPRC):c.277_278insTTTTTTTTTTTTTTTTTTTTNNNNNNNNNNCCACCGACCCCAGCCCGCGGCGCCTTCGAGCCTTCTCTTGACGTTGTTTTCAAATAATCATAGTTGCCAGGAAAGAAGCCACTACCCGAGACTAGATCTTT (p.Ser93delinsPhePhePhePhePhePhePheXaaXaaXaaXaaThrAspProSerProArgArgLeuArgAlaPheSerTer)

Gene: LRPPRC (leucine rich pentatricopeptide repeat containing; minus strand). Cytogenetic location: 2p21.
Variant type: Insertion.
Coding change: c.277_278insTTTTTTTTTTTTTTTTTTTTNNNNNNNNNNCCACCGACCCCAGCCCGCGGCGCCTTCGAGCCTTCTCTTGACGTTGTTTTCAAATAATCATAGTTGCCAGGAAAGAAGCCACTACCCGAGACTAGATCTTT on transcript NM_133259.4 (MANE Select); coding-DNA positions 277 to 278, TTTTTTTTTTTTTTTTTTTTNNNNNNNNNNCCACCGACCCCAGCCCGCGGCGCCTTCGAGCCTTCTCTTGACGTTGTTTTCAAATAATCATAGTTGCCAGGAAAGAAGCCACTACCCGAGACTAGATCTTT inserted.
Protein change: p.Ser93delinsPhePhePhePhePhePhePheXaaXaaXaaXaaThrAspProSerProArgArgLeuArgAlaPheSerTer.
Molecular consequence: nonsense.
Genome position: GRCh38: chr2:43,982,320-43,982,321. GRCh37 (hg19): chr2:44,209,459-44,209,460.
Identifiers: ClinVar variation 1076186 (VCV001076186.7), dbSNP rs2103745283.

ClinVar aggregate classification (germline): Pathogenic (1 of 4 stars; one submission).

Submission:

Labcorp Genetics (formerly Invitae), Labcorp
Classification: Pathogenic. Last evaluated: 2023-02-07. Review status: criteria provided, single submitter. Criteria: Invitae Variant Classification Sherloc (09022015). Collection method: clinical testing. Allele origin: germline.
Comment: This variant is not present in population databases (gnomAD no frequency). This sequence change inserts a large fragment of DNA, likely a transposable element, in exon 2 of the LRPPRC gene (c.277_278ins?), causing a frameshift at codon 93 (p.Ser93fs). The exact size and sequence of the insertion cannot be determined by the current assay. However, the insertion is expected to result in an absent or disrupted protein product. This variant has not been reported in the literature in individuals affected with LRPPRC-related conditions. ClinVar contains an entry for this variant (Variation ID: 1076186). Algorithms developed to predict the effect of sequence changes on RNA splicing suggest that this variant may disrupt the consensus splice site. Retrotransposon insertions including LINE1 (L1), Alu, and SVA (SINE-VNTR-Alu) have been reported to be disease-causing through disruption of either a coding region or splice site (PMID: 19763152, 20307669, 22406018) and loss-of-function variants in LRPPRC are known to be pathogenic (PMID: 26510951). For these reasons, this variant has been classified as Pathogenic.

Literature cited by the submitters: PubMed 19763152; PubMed 20307669; PubMed 22406018; PubMed 26510951.